The following is an entry in ClinVar:

ClinVar aggregate classification (germline): Likely benign (1 of 4 stars; one submission).

Allele frequency attached by ClinVar (database versions not stated): gnomAD 0.01805; TOPMed 0.01817; 1000 Genomes Project 30x 0.02389; 1000 Genomes Project 0.02396.

Submission:

GeneDx
Classification: Likely benign. Last evaluated: 2021-05-15. Review status: criteria provided, single submitter. Criteria: GeneDx Variant Classification Process June 2021. Collection method: clinical testing. Allele origin: germline. Affected: yes.
Comment: See Variant Classification Assertion Criteria.

NM_000355.4(TCN2):c.258-67G>A

Gene: TCN2 (transcobalamin 2; plus strand). Cytogenetic location: 22q12.2.
Variant type: single nucleotide variant.
Coding change: c.258-67G>A on transcript NM_000355.4 (MANE Select); 67 bases into the intron before coding-DNA position 258, G replaced by A.
Molecular consequence: intron variant.
Genome position (GRCh38, 1-based): chr22:30,612,806, G>A. VCF-style: chr22-30612806-G-A. GRCh37 (hg19) VCF-style: chr22-31008793-G-A.
Other names: c.258-67G>A (NM_001184726.2).
Identifiers: ClinVar variation 1706727 (VCV001706727.2), dbSNP rs79711084, ClinGen allele CA323231430.